The following is an entry in ClinVar:

NM_018062.4(FANCL):c.1072G>T (p.Glu358Ter)

Gene: FANCL (FA complementation group L; minus strand). Cytogenetic location: 2p16.1.
Variant type: single nucleotide variant.
Coding change: c.1072G>T on transcript NM_018062.4 (MANE Select); coding-DNA position 1072, G replaced by T.
Protein change: p.Glu358Ter; replaces glutamic acid 358 with a stop codon.
Molecular consequence: nonsense.
Genome position (GRCh38, 1-based): chr2:58,160,128, C>A on the plus strand (G>T on the coding strand, the complement: FANCL is on the minus strand). VCF-style: chr2-58160128-C-A. GRCh37 (hg19) VCF-style: chr2-58387263-C-A.
Other names: c.1087G>T, p.Glu363Ter (NM_001114636.2); c.1117G>T, p.Glu373Ter (NM_001374615.1); c.1132G>T, p.Glu378Ter (NM_001410792.1); short protein forms E358*, E363*, E373*, E378*.
Identifiers: ClinVar variation 2675674 (VCV002675674.5), dbSNP rs933913059, ClinGen allele CA48351265.

ClinVar aggregate classification (germline): Likely pathogenic. Review status: criteria provided, multiple submitters, no conflicts (2 of 4 stars). 2 submissions from 2 submitters: Likely pathogenic (2). Last evaluated 2024-02-08.

Conditions:
Fanconi anemia (FA). Also called: Fanconi's anemia. Identifiers: Orphanet 84, MedGen C0015625, MeSH D005199, MONDO:0019391.
Fanconi anemia complementation group L (FANCL). Also called: FANCL-Related Fanconi Anemia. Identifiers: Orphanet 84, MedGen C3469528, MONDO:0013566, OMIM 614083.

Allele frequency attached by ClinVar (database versions not stated): gnomAD exomes below 0.00001; TOPMed below 0.00001.
gnomAD v4.1: 1 of 1,612,754 alleles (0.000062%); highest among the groups gnomAD compares: African/African-American, 0.0013%; no homozygotes.

Submissions (2):

Baylor Genetics
Classification: Likely pathogenic for Fanconi anemia complementation group L. Last evaluated: 2024-02-08. Review status: criteria provided, single submitter. Criteria: ACMG Guidelines, 2015. Collection method: clinical testing. Allele origin: unknown.

Labcorp Genetics (formerly Invitae), Labcorp
Classification: Likely pathogenic for Fanconi anemia. Last evaluated: 2023-09-03. Review status: criteria provided, single submitter. Criteria: Invitae Variant Classification Sherloc (09022015). Collection method: clinical testing. Allele origin: germline.
Comment: This sequence change creates a premature translational stop signal (p.Glu358*) in the FANCL gene. While this is not anticipated to result in nonsense mediated decay, it is expected to disrupt the last 18 amino acid(s) of the FANCL protein. In summary, the currently available evidence indicates that the variant is pathogenic, but additional data are needed to prove that conclusively. Therefore, this variant has been classified as Likely Pathogenic. This variant disrupts the PHD/RING finger domain of the FANCL protein, which is necessary for FANCL interaction with Ube2t and Ube2w, and subsequent monoubiquitination of FANCD2 (PMID: 12973351, 17938197, 19111657, 24389026, 26149689). While functional studies have not been performed to directly test the effect of this variant on FANCL protein function, this suggests that disruption of this region of the protein is causative of disease. Algorithms developed to predict the effect of sequence changes on RNA splicing suggest that this variant may disrupt the consensus splice site. This variant has not been reported in the literature in individuals affected with FANCL-related conditions. This variant is not present in population databases (gnomAD no frequency).

Literature cited by the submitters: PubMed 12973351 (cited by Labcorp Genetics (formerly Invitae), Labcorp); PubMed 17938197 (cited by Labcorp Genetics (formerly Invitae), Labcorp); PubMed 19111657 (cited by Labcorp Genetics (formerly Invitae), Labcorp); PubMed 24389026 (cited by Labcorp Genetics (formerly Invitae), Labcorp); PubMed 26149689 (cited by Labcorp Genetics (formerly Invitae), Labcorp).